The following is an entry in ClinVar:

ClinVar aggregate classification (germline): Uncertain significance (1 of 4 stars; one submission).

Conditions:
NOTCH2-related disorder. Also called: NOTCH2-related condition.

Submission:

PreventionGenetics, part of Exact Sciences
Classification: Uncertain significance for NOTCH2-related condition. Last evaluated: 2022-11-02. Review status: criteria provided, single submitter. Criteria: ACMG Guidelines, 2015. Collection method: clinical testing. Allele origin: germline.
Comment: The NOTCH2 c.1552T>G variant is predicted to result in the amino acid substitution p.Cys518Gly. To our knowledge, this variant has not been reported in the literature or in a large population database, indicating this variant is rare. At this time, the clinical significance of this variant is uncertain due to the absence of conclusive functional and genetic evidence.

NM_024408.4(NOTCH2):c.1552T>G (p.Cys518Gly)

Gene: NOTCH2 (notch receptor 2; minus strand). Cytogenetic location: 1p12.
Variant type: single nucleotide variant.
Coding change: c.1552T>G on transcript NM_024408.4 (MANE Select); coding-DNA position 1552, T replaced by G.
Protein change: p.Cys518Gly; replaces cysteine 518 with glycine.
Molecular consequence: missense variant.
Genome position (GRCh38, 1-based): chr1:119,966,391, A>C on the plus strand (T>G on the coding strand, the complement: NOTCH2 is on the minus strand). VCF-style: chr1-119966391-A-C. GRCh37 (hg19) VCF-style: chr1-120509014-A-C.
Other names: c.1552T>G, p.Cys518Gly (NM_001200001.2); short protein forms C518G.
Identifiers: ClinVar variation 2635275 (VCV002635275.1), dbSNP rs2526299953, ClinGen allele CA341876170.
Genomic context (GRCh38, chr1:119,966,391, plus strand): 5'-GCTTTGTGCTTTAAGAGAAAACAGGGCCAGGTCGTGGGCACTTACCAGGAGGACACAGGC[A>C]CTGGAAACGATTGACTTTATCCACACACTGCCCATTGTTCACACAAGGGTTGCTCTGACA-3'
Protein context (NP_077719.2, residues 508-528): QCVDKVNRFQ[Cys518Gly]LCPPGFTGPV